The following is an entry in ClinVar:

ClinVar aggregate classification (germline): Benign/Likely benign. Review status: criteria provided, multiple submitters, no conflicts (2 of 4 stars). 11 submissions from 11 submitters: Benign (3); Likely benign (6). 2 of the submissions do not count toward it. Last evaluated 2026-02-02.

Conditions:
Transcobalamin II deficiency (TCN2D). Also called: Transcolabamin II deficiency; TC II DEFICIENCY; TCN2 DEFICIENCY. Identifiers: Orphanet 859, MedGen C0342701, MONDO:0010149, OMIM 275350.
TCN2-related disorder. Also called: TCN2-related condition.

Allele frequency attached by ClinVar (database versions not stated): 1000 Genomes Project 30x 0.00141; 1000 Genomes Project 0.00160; gnomAD 0.00162; ESP Exome Variant Server 0.00177; ExAC 0.00200; TOPMed 0.00204.
gnomAD v4.1: 4,081 of 1,613,952 alleles (0.25%); highest among the groups gnomAD compares: Non-Finnish European, 0.29%; 7 homozygotes.

Submissions (11):

Labcorp Genetics (formerly Invitae), Labcorp
Classification: Benign for Transcobalamin II deficiency. Last evaluated: 2026-02-02. Review status: criteria provided, single submitter. Criteria: Invitae Variant Classification Sherloc (09022015). Collection method: clinical testing. Allele origin: germline.

CeGaT Center for Human Genetics Tuebingen
Classification: Likely benign. Last evaluated: 2025-01-01. Review status: criteria provided, single submitter. Criteria: CeGaT Center For Human Genetics Tuebingen Variant Classification Criteria Version 2. Collection method: clinical testing. Allele origin: germline. Affected: yes. Observed: 3 variant alleles.
Comment: TCN2: BP4

Blueprint Genetics
Classification: Likely benign. Last evaluated: 2024-11-25. Review status: criteria provided, single submitter. Criteria: ACMG Guidelines, 2015. Collection method: clinical testing. Allele origin: germline.

ARUP Laboratories, Molecular Genetics and Genomics, ARUP Laboratories
Classification: Likely benign for Transcobalamin II deficiency. Last evaluated: 2023-10-03. Review status: criteria provided, single submitter. Criteria: ARUP Molecular Germline Variant Investigation Process 2024. Collection method: clinical testing. Allele origin: germline.

Institute for Genomic Medicine (IGM) Clinical Laboratory, Nationwide Children's Hospital
Classification: Benign. Last evaluated: 2017-08-15. Review status: criteria provided, single submitter. Criteria: ACMG Guidelines, 2015. Collection method: clinical testing. Allele origin: germline.
Comment: BS1, BS2, BP1, BP4; This alteration has an allele frequency that is greater than expected for the associated disease, was seen in a healthy adult where full penetrance of the disorder is expected at an early age, is a missense alteration in a gene for which primarily truncating variants are known to cause disease, and is predicted to be tolerated by multiple functional prediction tools.

Clinical Genetics DNA and cytogenetics Diagnostics Lab, Erasmus MC, Erasmus Medical Center
Classification: Likely benign for Transcobalamin II deficiency. Last evaluated: 2017-07-05. Review status: criteria provided, single submitter. Criteria: ACGS Guidelines, 2013. Collection method: clinical testing. Allele origin: germline. Affected: yes. Study: VKGL Data-share Consensus.

Genome Diagnostics Laboratory, University Medical Center Utrecht
Classification: Likely benign for Transcobalamin II deficiency. Last evaluated: 2017-06-02. Review status: criteria provided, single submitter. Criteria: ACGS Guidelines, 2013. Collection method: clinical testing. Allele origin: germline. Affected: yes. Study: VKGL Data-share Consensus.

Illumina Laboratory Services, Illumina
Classification: Benign for Transcobalamin II deficiency. Last evaluated: 2017-04-27. Review status: criteria provided, single submitter. Criteria: ICSL Variant Classification Criteria 13 December 2019. Collection method: clinical testing. Allele origin: germline.
Comment: This variant was observed as part of a predisposition screen in an ostensibly healthy population. A literature search was performed for the gene, cDNA change, and amino acid change (where applicable). Publications were found based on this search. The evidence from the literature, in combination with allele frequency data from public databases where available, was sufficient to rule this variant out of causing disease. Therefore, this variant is classified as benign.

Breakthrough Genomics
Classification: Likely benign. Review status: criteria provided, single submitter. Criteria: ACMG Guidelines, 2015. Collection method: not provided. Allele origin: germline. Inheritance: Autosomal recessive inheritance. Affected: yes.

PreventionGenetics, part of Exact Sciences
Classification: Benign for TCN2-related condition. Last evaluated: 2019-07-01. Review status: no assertion criteria provided. Collection method: clinical testing. Allele origin: germline. Not counted in ClinVar's aggregate classification.
Comment: This variant is classified as benign based on ACMG/AMP sequence variant interpretation guidelines (Richards et al. 2015 PMID: 25741868, with internal and published modifications).

Laboratory of Diagnostic Genome Analysis, Leiden University Medical Center (LUMC)
Classification: Likely benign. Review status: no assertion criteria provided. Collection method: clinical testing. Allele origin: germline. Affected: yes. Study: VKGL Data-share Consensus. Not counted in ClinVar's aggregate classification.

Literature cited by the submitters: PubMed 22188304 (cited by Illumina Laboratory Services, Illumina); PubMed 12194912 (cited by Illumina Laboratory Services, Illumina).

NM_000355.4(TCN2):c.280G>A (p.Gly94Ser)

Gene: TCN2 (transcobalamin 2; plus strand). Cytogenetic location: 22q12.2.
Variant type: single nucleotide variant.
Coding change: c.280G>A on transcript NM_000355.4 (MANE Select); coding-DNA position 280, G replaced by A.
Protein change: p.Gly94Ser; replaces glycine 94 with serine.
Molecular consequence: missense variant.
Genome position (GRCh38, 1-based): chr22:30,612,895, G>A. VCF-style: chr22-30612895-G-A. GRCh37 (hg19) VCF-style: chr22-31008882-G-A.
Other names: c.280G>A, p.Gly94Ser (NM_001184726.2); short protein forms G94S.
Identifiers: ClinVar variation 440324 (VCV000440324.70), dbSNP rs11557600, ClinGen allele CA10184571.